The following is an entry in ClinVar:

ClinVar aggregate classification (germline): Uncertain significance. Review status: criteria provided, single submitter (1 of 4 stars). 2 submissions from 2 submitters: Uncertain significance (1). 1 of the submissions does not count toward it. Last evaluated 2022-06-07.

Conditions:
Optic atrophy. Identifiers: MedGen C0029124, MONDO:0003608, HP:0000648.

Allele frequency attached by ClinVar (database versions not stated): TOPMed below 0.00001; gnomAD 0.00001; gnomAD exomes 0.00001.
gnomAD v4.1: 9 of 1,614,064 alleles (0.00056%); highest among the groups gnomAD compares: Middle Eastern, 0.016%; no homozygotes.

Submissions (2):

Labcorp Genetics (formerly Invitae), Labcorp
Classification: Uncertain significance. Last evaluated: 2022-06-07. Review status: criteria provided, single submitter. Criteria: Invitae Variant Classification Sherloc (09022015). Collection method: clinical testing. Allele origin: germline.
Comment: This sequence change replaces arginine, which is basic and polar, with cysteine, which is neutral and slightly polar, at codon 449 of the GPR179 protein (p.Arg449Cys). This variant is present in population databases (no rsID available, gnomAD 0.0009%). This variant has not been reported in the literature in individuals affected with GPR179-related conditions. Algorithms developed to predict the effect of missense changes on protein structure and function (SIFT, PolyPhen-2, Align-GVGD) all suggest that this variant is likely to be disruptive. In summary, the available evidence is currently insufficient to determine the role of this variant in disease. Therefore, it has been classified as a Variant of Uncertain Significance.

Institute of Human Genetics, Univ. Regensburg, Univ. Regensburg
Classification: Uncertain significance for Optic atrophy. Last evaluated: 2022-01-01. Review status: no assertion criteria provided. Criteria: ACMG Guidelines, 2015. Collection method: clinical testing. Allele origin: germline. Affected: yes. Not counted in ClinVar's aggregate classification.

NM_001004334.4(GPR179):c.1345C>T (p.Arg449Cys)

Gene: GPR179 (G protein-coupled receptor 179; minus strand). Cytogenetic location: 17q12.
Variant type: single nucleotide variant.
Coding change: c.1345C>T on transcript NM_001004334.4 (MANE Select); coding-DNA position 1345, C replaced by T.
Protein change: p.Arg449Cys; replaces arginine 449 with cysteine.
Molecular consequence: missense variant.
Genome position (GRCh38, 1-based): chr17:38,335,652, G>A on the plus strand (C>T on the coding strand, the complement: GPR179 is on the minus strand). VCF-style: chr17-38335652-G-A. GRCh37 (hg19) VCF-style: chr17-36491535-G-A.
Other names: short protein forms R449C.
Identifiers: ClinVar variation 1946265 (VCV001946265.3), dbSNP rs1369783617, ClinGen allele CA398887041.